The following is an entry in ClinVar:

ClinVar aggregate classification (germline): Uncertain significance (1 of 4 stars; one submission).

Conditions:
Gorlin syndrome. Also called: Basal cell nevus syndrome; Nevoid Basal Cell Carcinoma Syndrome. Identifiers: Orphanet 377, MedGen C0004779, MONDO:0007187.

Allele frequency attached by ClinVar (database versions not stated): gnomAD exomes below 0.00001; TOPMed below 0.00001.

Submission:

Labcorp Genetics (formerly Invitae), Labcorp
Classification: Uncertain significance for Gorlin syndrome. Last evaluated: 2022-07-12. Review status: criteria provided, single submitter. Criteria: Invitae Variant Classification Sherloc (09022015). Collection method: clinical testing. Allele origin: germline.
Comment: This variant has not been reported in the literature in individuals affected with PTCH2-related conditions. This sequence change replaces histidine, which is basic and polar, with arginine, which is basic and polar, at codon 1053 of the PTCH2 protein (p.His1053Arg). This variant is not present in population databases (gnomAD no frequency). ClinVar contains an entry for this variant (Variation ID: 1438509). Algorithms developed to predict the effect of missense changes on protein structure and function output the following: SIFT: "Tolerated"; PolyPhen-2: "Benign"; Align-GVGD: "Class C0". The arginine amino acid residue is found in multiple mammalian species, which suggests that this missense change does not adversely affect protein function. In summary, the available evidence is currently insufficient to determine the role of this variant in disease. Therefore, it has been classified as a Variant of Uncertain Significance.

NM_003738.5(PTCH2):c.3158A>G (p.His1053Arg)

Gene: PTCH2 (patched 2; minus strand). Cytogenetic location: 1p34.1.
Variant type: single nucleotide variant.
Coding change: c.3158A>G on transcript NM_003738.5 (MANE Select); coding-DNA position 3158, A replaced by G.
Protein change: p.His1053Arg; replaces histidine 1053 with arginine.
Molecular consequence: missense variant.
Genome position (GRCh38, 1-based): chr1:44,823,342, T>C on the plus strand (A>G on the coding strand, the complement: PTCH2 is on the minus strand). VCF-style: chr1-44823342-T-C. GRCh37 (hg19) VCF-style: chr1-45289014-T-C.
Other names: c.3158A>G, p.His1053Arg (NM_001166292.2); short protein forms H1053R.
Identifiers: ClinVar variation 1438509 (VCV001438509.6), dbSNP rs1573639533, ClinGen allele CA340107064.